The following is an entry in ClinVar:

ClinVar aggregate classification (germline): Uncertain significance. Review status: criteria provided, multiple submitters, no conflicts (2 of 4 stars). 2 submissions from 2 submitters: Uncertain significance (2). Last evaluated 2025-03-05.

Allele frequency attached by ClinVar (database versions not stated): ExAC 0.00001.
gnomAD v4.1: 10 of 1,614,200 alleles (0.00062%); highest among the groups gnomAD compares: Admixed American, 0.015%; no homozygotes.

Submissions (2):

Ambry Genetics
Classification: Uncertain significance. Last evaluated: 2025-03-05. Review status: criteria provided, single submitter. Criteria: Ambry Variant Classification Scheme 2023. Collection method: clinical testing. Allele origin: germline.

Labcorp Genetics (formerly Invitae), Labcorp
Classification: Uncertain significance. Last evaluated: 2022-07-15. Review status: criteria provided, single submitter. Criteria: Invitae Variant Classification Sherloc (09022015). Collection method: clinical testing. Allele origin: germline.
Comment: In summary, the available evidence is currently insufficient to determine the role of this variant in disease. Therefore, it has been classified as a Variant of Uncertain Significance. This sequence change replaces threonine, which is neutral and polar, with serine, which is neutral and polar, at codon 18 of the PAX4 protein (p.Thr18Ser). This variant is present in population databases (rs766184275, gnomAD 0.02%). This variant has not been reported in the literature in individuals affected with PAX4-related conditions. Algorithms developed to predict the effect of missense changes on protein structure and function are either unavailable or do not agree on the potential impact of this missense change (SIFT: "Deleterious"; PolyPhen-2: "Possibly Damaging"; Align-GVGD: "Class C0").

NM_001366110.1(PAX4):c.77C>G (p.Thr26Ser)

Gene: PAX4 (paired box 4; minus strand). Cytogenetic location: 7q32.1.
Variant type: single nucleotide variant.
Coding change: c.77C>G on transcript NM_001366110.1 (MANE Select); coding-DNA position 77, C replaced by G.
Protein change: p.Thr26Ser; replaces threonine 26 with serine.
Molecular consequence: missense variant.
Genome position (GRCh38, 1-based): chr7:127,615,468, G>C on the plus strand (C>G on the coding strand, the complement: PAX4 is on the minus strand). VCF-style: chr7-127615468-G-C. GRCh37 (hg19) VCF-style: chr7-127255522-G-C.
Other names: NM_006193.2:c.53C>G; c.77C>G, p.Thr26Ser (NM_001366111.1); short protein forms T26S.
Identifiers: ClinVar variation 2065637 (VCV002065637.5), dbSNP rs766184275, ClinGen allele CA4468238.
Genomic context (GRCh38, chr7:127,615,468, plus strand): 5'-ATCCGTGAGATGTCACAGGGCCGCATTCCACTGACTGCTAGCCGCACAATCTGCTGCCGG[G>C]TATCCAGAGGCAGGGGCCGGCCATTCACAAAGAGCCCCCCAAGCTGGTTCATGCTGCTGA-3'
Protein context (NP_001353039.1, residues 16-36): FVNGRPLPLD[Thr26Ser]RQQIVRLAVS